The following is an entry in ClinVar:

NM_001267550.2(TTN):c.98806C>T (p.Arg32936Cys)

Genes: TTN-AS1 (TTN antisense RNA 1; plus strand), TTN (titin; minus strand). Cytogenetic location: 2q31.2.
Variant type: single nucleotide variant.
Coding change: c.98806C>T on transcript NM_001267550.2 (MANE Select); coding-DNA position 98806, C replaced by T.
Protein change: p.Arg32936Cys; replaces arginine 32936 with cysteine.
Molecular consequence: missense variant. On other transcripts: non-coding transcript variant (1).
Genome position (GRCh38, 1-based): chr2:178,539,129, G>A on the plus strand (C>T on the coding strand, the complement: TTN is on the minus strand). VCF-style: chr2-178539129-G-A. GRCh37 (hg19) VCF-style: chr2-179403856-G-A.
Other names: c.93883C>T, p.Arg31295Cys (NM_001256850.1); c.71611C>T, p.Arg23871Cys (NM_003319.4); c.91102C>T, p.Arg30368Cys (NM_133378.4); c.71986C>T, p.Arg23996Cys (NM_133432.3); c.72187C>T, p.Arg24063Cys (NM_133437.4); c.98806C>T (NM_001267550.1); short protein forms R32936C, R30368C, R24063C, R23871C, R23996C, R31295C.
Identifiers: ClinVar variation 440370 (VCV000440370.20), dbSNP rs764276622, ClinGen allele CA1986305.
Genomic context (GRCh38, chr2:178,539,129, plus strand): 5'-TTGTGGTGGTGATCTGAGTCTTGTTGTGTCTGACCCACTTGTCAGTGGATGTCTCTTTGC[G>A]TTCGATGTAGTAGCCTGTGACTCTAGAACCACCATCATCTTTGGGCCGGGACCAGGACAA-3'
Protein context (NP_001254479.2, residues 32926-32946): GSRVTGYYIE[Arg32936Cys]KETSTDKWVR

ClinVar aggregate classification (germline): Uncertain significance. Review status: criteria provided, multiple submitters, no conflicts (2 of 4 stars). 6 submissions from 6 submitters: Uncertain significance (6). Last evaluated 2024-09-25.

Conditions:
Dilated cardiomyopathy 1G (CMD1G). Identifiers: Orphanet 154, MedGen C1858763, MONDO:0011400, OMIM 604145.
Autosomal recessive limb-girdle muscular dystrophy type 2J (LGMDR10). Also called: MUSCULAR DYSTROPHY, LIMB-GIRDLE, AUTOSOMAL RECESSIVE 10; Limb-girdle muscular dystrophy, type 2J. Identifiers: Orphanet 140922, MedGen C1837342, MONDO:0012127, OMIM 608807.
Cardiovascular phenotype. Identifiers: MedGen CN230736.

Allele frequency attached by ClinVar (database versions not stated): TOPMed below 0.00001; gnomAD exomes 0.00002; ExAC 0.00003.
gnomAD v4.1: 31 of 1,613,702 alleles (0.0019%); highest among the groups gnomAD compares: Middle Eastern, 0.066%; no homozygotes.

Submissions (6):

Revvity Omics, Revvity
Classification: Uncertain significance. Last evaluated: 2024-09-25. Review status: criteria provided, single submitter. Criteria: ACMG Guidelines, 2015. Collection method: clinical testing. Allele origin: germline.

GeneDx
Classification: Uncertain significance. Last evaluated: 2024-06-03. Review status: criteria provided, single submitter. Criteria: GeneDx Variant Classification Process June 2021. Collection method: clinical testing. Allele origin: germline. Affected: yes.
Comment: Not observed at significant frequency in large population cohorts (gnomAD); Missense variant in a gene in which most reported pathogenic variants are truncating/loss of function; Has not been previously published as pathogenic or benign to our knowledge

Ambry Genetics
Classification: Uncertain significance for Cardiovascular phenotype. Last evaluated: 2018-06-01. Review status: criteria provided, single submitter. Criteria: Ambry Variant Classification Scheme 2023. Collection method: clinical testing. Allele origin: germline.
Comment: The p.R23871C variant (also known as c.71611C>T), located in coding exon 180 of the TTN gene, results from a C to T substitution at nucleotide position 71611. The arginine at codon 23871 is replaced by cysteine, an amino acid with highly dissimilar properties. This amino acid position is highly conserved in available vertebrate species. In addition, the in silico prediction for this alteration is inconclusive. Since supporting evidence is limited at this time, the clinical significance of this alteration remains unclear.

Eurofins Ntd Llc (ga)
Classification: Uncertain significance. Last evaluated: 2018-02-12. Review status: criteria provided, single submitter. Criteria: EGL ClinVar v180209 classification definitions. Collection method: clinical testing. Allele origin: germline. Observed: 1 variant allele, 1 heterozygote.

Labcorp Genetics (formerly Invitae), Labcorp
Classification: Uncertain significance for Dilated cardiomyopathy 1G; Autosomal recessive limb-girdle muscular dystrophy type 2J. Last evaluated: 2017-03-08. Review status: criteria provided, single submitter. Criteria: Invitae Variant Classification Sherloc (09022015). Collection method: clinical testing. Allele origin: germline.

ARUP Laboratories, Molecular Genetics and Genomics, ARUP Laboratories
Classification: Uncertain significance. Last evaluated: 2017-03-02. Review status: criteria provided, single submitter. Criteria: ARUP Molecular Germline Variant Investigation Process. Collection method: clinical testing. Allele origin: germline.